The following is an entry in ClinVar:

ClinVar aggregate classification (germline): Uncertain significance. Review status: criteria provided, multiple submitters, no conflicts (2 of 4 stars). 2 submissions from 2 submitters: Uncertain significance (2). Last evaluated 2024-02-03.

Allele frequency attached by ClinVar (database versions not stated): ExAC 0.00001; gnomAD exomes 0.00001 and 0.00002; TOPMed 0.00001.
gnomAD v4.1: 10 of 1,613,052 alleles (0.00062%); highest among the groups gnomAD compares: Admixed American, 0.0033%; no homozygotes.

Submissions (2):

Blueprint Genetics
Classification: Uncertain significance. Last evaluated: 2024-02-03. Review status: criteria provided, single submitter. Criteria: ACMG Guidelines, 2015. Collection method: clinical testing. Allele origin: germline.

Labcorp Genetics (formerly Invitae), Labcorp
Classification: Uncertain significance. Last evaluated: 2022-11-22. Review status: criteria provided, single submitter. Criteria: Invitae Variant Classification Sherloc (09022015). Collection method: clinical testing. Allele origin: germline.
Comment: This sequence change falls in intron 2 of the ARL2BP gene. It does not directly change the encoded amino acid sequence of the ARL2BP protein. It affects a nucleotide within the consensus splice site. In summary, the available evidence is currently insufficient to determine the role of this variant in disease. Therefore, it has been classified as a Variant of Uncertain Significance. Variants that disrupt the consensus splice site are a relatively common cause of aberrant splicing (PMID: 17576681, 9536098). Algorithms developed to predict the effect of sequence changes on RNA splicing suggest that this variant may disrupt the consensus splice site. ClinVar contains an entry for this variant (Variation ID: 1054746). This variant has not been reported in the literature in individuals affected with ARL2BP-related conditions. This variant is present in population databases (rs758680473, gnomAD 0.009%).

Literature cited by the submitters: PubMed 17576681 (cited by Labcorp Genetics (formerly Invitae), Labcorp); PubMed 9536098 (cited by Labcorp Genetics (formerly Invitae), Labcorp).

NM_012106.4(ARL2BP):c.100+4A>C

Gene: ARL2BP (ARF like GTPase 2 binding protein; plus strand). Cytogenetic location: 16q13.
Variant type: single nucleotide variant.
Coding change: c.100+4A>C on transcript NM_012106.4 (MANE Select); 4 bases into the intron after coding-DNA position 100, A replaced by C.
Molecular consequence: intron variant.
Genome position (GRCh38, 1-based): chr16:57,246,145, A>C. VCF-style: chr16-57246145-A-C. GRCh37 (hg19) VCF-style: chr16-57280057-A-C.
Identifiers: ClinVar variation 1054746 (VCV001054746.7), dbSNP rs758680473, ClinGen allele CA8074841.